The following is an entry in ClinVar:

ClinVar aggregate classification (germline): Uncertain significance (1 of 4 stars; one submission).

Allele frequency attached by ClinVar (database versions not stated): gnomAD exomes below 0.00001; TOPMed 0.00001; gnomAD 0.00002.
gnomAD v4.1: 4 of 1,614,110 alleles (0.00025%); highest among the groups gnomAD compares: African/African-American, 0.0053%; no homozygotes.

Submission:

Labcorp Genetics (formerly Invitae), Labcorp
Classification: Uncertain significance. Last evaluated: 2022-10-03. Review status: criteria provided, single submitter. Criteria: Invitae Variant Classification Sherloc (09022015). Collection method: clinical testing. Allele origin: germline.
Comment: In summary, the available evidence is currently insufficient to determine the role of this variant in disease. Therefore, it has been classified as a Variant of Uncertain Significance. Algorithms developed to predict the effect of missense changes on protein structure and function are either unavailable or do not agree on the potential impact of this missense change (SIFT: "Tolerated"; PolyPhen-2: "Possibly Damaging"; Align-GVGD: "Class C0"). This variant has not been reported in the literature in individuals affected with MYLIP-related conditions. This variant is not present in population databases (gnomAD no frequency). This sequence change replaces asparagine, which is neutral and polar, with aspartic acid, which is acidic and polar, at codon 332 of the MYLIP protein (p.Asn332Asp).

NM_013262.4(MYLIP):c.994A>G (p.Asn332Asp)

Gene: MYLIP (myosin regulatory light chain interacting protein; plus strand). Cytogenetic location: 6p22.3.
Variant type: single nucleotide variant.
Coding change: c.994A>G on transcript NM_013262.4 (MANE Select); coding-DNA position 994, A replaced by G.
Protein change: p.Asn332Asp; replaces asparagine 332 with aspartic acid.
Molecular consequence: missense variant.
Genome position (GRCh38, 1-based): chr6:16,145,063, A>G. VCF-style: chr6-16145063-A-G. GRCh37 (hg19) VCF-style: chr6-16145294-A-G.
Other names: short protein forms N332D.
Identifiers: ClinVar variation 2120880 (VCV002120880.4), dbSNP rs1370592364, ClinGen allele CA362798243.